The following is an entry in ClinVar:

ClinVar aggregate classification (germline): Pathogenic/Likely pathogenic. Review status: criteria provided, multiple submitters, no conflicts (2 of 4 stars). 2 submissions from 2 submitters: Pathogenic (1); Likely pathogenic (1). Last evaluated 2024-05-27.

Conditions:
Marfan syndrome (MFS). Also called: MARFAN SYNDROME, TYPE I; Marfan syndrome type 1; Marfan's syndrome; Marfan syndrome, classic; FBN1-Related Marfan Syndrome. Identifiers: Orphanet 284963, Orphanet 558, MedGen C0024796, MONDO:0007947, OMIM 154700.
Familial thoracic aortic aneurysm and aortic dissection (TAAD). Also called: Thoracic aortic aneurysms and dissections. Identifiers: Orphanet 91387, MedGen C4707243, MONDO:0019625.

Submissions (2):

Labcorp Genetics (formerly Invitae), Labcorp
Classification: Pathogenic for Marfan syndrome; Familial thoracic aortic aneurysm and aortic dissection. Last evaluated: 2024-05-27. Review status: criteria provided, single submitter. Criteria: Invitae Variant Classification Sherloc (09022015). Collection method: clinical testing. Allele origin: germline.
Comment: This sequence change replaces cysteine, which is neutral and slightly polar, with tryptophan, which is neutral and slightly polar, at codon 2511 of the FBN1 protein (p.Cys2511Trp). This variant is not present in population databases (gnomAD no frequency). This missense change has been observed in individual(s) with clinical features of Marfan syndrome (Invitae). ClinVar contains an entry for this variant (Variation ID: 1414814). Advanced modeling of protein sequence and biophysical properties (such as structural, functional, and spatial information, amino acid conservation, physicochemical variation, residue mobility, and thermodynamic stability) performed at Invitae indicates that this missense variant is expected to disrupt FBN1 protein function with a positive predictive value of 95%. This variant affects a cysteine residue in the EGF-like, TGFBP or hybrid motif domains of FBN1. Cysteine residues are believed to be involved in intramolecular disulfide bridges and have been shown to be important for FBN1 protein structure (PMID: 16905551, 19349279). In addition, missense substitutions affecting cysteine residues within these domains are significantly overrepresented among patients with Marfan syndrome (PMID: 16571647, 17701892). This variant disrupts the p.Cys2511 amino acid residue in FBN1. Other variant(s) that disrupt this residue have been observed in individuals with FBN1-related conditions (PMID: 9401003, 10533071, 10756346, 21542060, 31730815; Invitae), which suggests that this may be a clinically significant amino acid residue. For these reasons, this variant has been classified as Pathogenic.

Ambry Genetics
Classification: Likely pathogenic for Familial thoracic aortic aneurysm and aortic dissection. Last evaluated: 2016-11-15. Review status: criteria provided, single submitter. Criteria: Ambry Variant Classification Scheme 2023. Collection method: clinical testing. Allele origin: germline.
Comment: The p.C2511W variant (also known as c.7533T>G), located in coding exon 60 of the FBN1 gene, results from a T to G substitution at nucleotide position 7533. The cysteine at codon 2511 is replaced by tryptophan, an amino acid with highly dissimilar properties, and is located in the cbEGF-like #39 domain. Based on internal structural analysis, this alteration would result in the loss of a disulfide interaction in a region where pathogenic disulfide-eliminating interactions are found, and is predicted to be structurally destabilizing (Downing AK et al. Cell. 1996;85(4):597-605). Other alterations affecting this amino acid (p.C2511Y, c.7532G>A and p.C2511R, c.7531T>C) have been detected in cohorts with Marfan syndrome or related features; however, clinical details were limited (Yuan B et al. Hum Mutat. 1999;14(5):440-6; Baetens M et al. Hum Mutat. 2011;32(9):1053-62). This amino acid position is highly conserved in available vertebrate species. In addition, this alteration is predicted to be deleterious by in silico analysis. The majority of FBN1 mutations identified to date have involved the substitution or generation of cysteine residues within cbEGF domains (Vollbrandt T et al. J Biol Chem. 2004;279(31):32924-32931). Based on the majority of available evidence to date, this variant is likely to be pathogenic.

Literature cited by the submitters: PubMed 16905551 (cited by Labcorp Genetics (formerly Invitae), Labcorp); PubMed 19349279 (cited by Labcorp Genetics (formerly Invitae), Labcorp); PubMed 16571647 (cited by Labcorp Genetics (formerly Invitae), Labcorp); PubMed 17701892 (cited by Labcorp Genetics (formerly Invitae), Labcorp); PubMed 9401003 (cited by Labcorp Genetics (formerly Invitae), Labcorp); PubMed 10533071 (cited by Labcorp Genetics (formerly Invitae), Labcorp); PubMed 10756346 (cited by Labcorp Genetics (formerly Invitae), Labcorp); PubMed 21542060 (cited by Labcorp Genetics (formerly Invitae), Labcorp); PubMed 31730815 (cited by Labcorp Genetics (formerly Invitae), Labcorp).

NM_000138.5(FBN1):c.7533T>G (p.Cys2511Trp)

Gene: FBN1 (fibrillin 1; minus strand). Cytogenetic location: 15q21.1.
Variant type: single nucleotide variant.
Coding change: c.7533T>G on transcript NM_000138.5 (MANE Select); coding-DNA position 7533, T replaced by G.
Protein change: p.Cys2511Trp; replaces cysteine 2511 with tryptophan.
Molecular consequence: missense variant.
Genome position (GRCh38, 1-based): chr15:48,421,989, A>C on the plus strand (T>G on the coding strand, the complement: FBN1 is on the minus strand). VCF-style: chr15-48421989-A-C. GRCh37 (hg19) VCF-style: chr15-48714186-A-C.
Other names: short protein forms C2511W.
Identifiers: ClinVar variation 1414814 (VCV001414814.10), dbSNP rs750331217, ClinGen allele CA392325905.